The following is an entry in ClinVar:

NM_015570.4(AUTS2):c.319G>A (p.Ala107Thr)

Gene: AUTS2 (activator of transcription and developmental regulator AUTS2; plus strand). Cytogenetic location: 7q11.22.
Variant type: single nucleotide variant.
Coding change: c.319G>A on transcript NM_015570.4 (MANE Select); coding-DNA position 319, G replaced by A.
Protein change: p.Ala107Thr; replaces alanine 107 with threonine.
Molecular consequence: missense variant.
Genome position (GRCh38, 1-based): chr7:69,899,295, G>A. VCF-style: chr7-69899295-G-A. GRCh37 (hg19) VCF-style: chr7-69364281-G-A.
Other names: c.319G>A, p.Ala107Thr (NM_001127231.3, NM_001127232.3); short protein forms A107T.
Identifiers: ClinVar variation 2189068 (VCV002189068.6), dbSNP rs748352884, ClinGen allele CA4280281.

ClinVar aggregate classification (germline): Benign/Likely benign. Review status: criteria provided, multiple submitters, no conflicts (2 of 4 stars). 3 submissions from 3 submitters: Benign (2); Likely benign (1). Last evaluated 2026-08-01.

Allele frequency attached by ClinVar (database versions not stated): gnomAD 0.00003; gnomAD exomes 0.00004; TOPMed 0.00005; ExAC 0.00006.
gnomAD v4.1: 59 of 1,612,310 alleles (0.0037%); highest among the groups gnomAD compares: Middle Eastern, 0.049%; no homozygotes.

Submissions (3):

CeGaT Center for Human Genetics Tuebingen
Classification: Likely benign. Last evaluated: 2026-08-01. Review status: criteria provided, single submitter. Criteria: CeGaT Center For Human Genetics Tuebingen Variant Classification Criteria Version 2. Collection method: clinical testing. Allele origin: germline. Affected: yes. Observed: 1 variant allele.
Comment: AUTS2: BP4, BS2

Labcorp Genetics (formerly Invitae), Labcorp
Classification: Benign. Last evaluated: 2025-11-05. Review status: criteria provided, single submitter. Criteria: Invitae Variant Classification Sherloc (09022015). Collection method: clinical testing. Allele origin: germline.

Breakthrough Genomics
Classification: Benign. Review status: criteria provided, single submitter. Criteria: ACMG Guidelines, 2015. Collection method: not provided. Allele origin: germline. Inheritance: Autosomal dominant inheritance. Affected: yes.